The following is an entry in ClinVar:

ClinVar aggregate classification (germline): Uncertain significance (1 of 4 stars; one submission).

Conditions:
Hereditary cancer-predisposing syndrome. Also called: Neoplastic Syndromes, Hereditary; Tumor predisposition; Hereditary Cancer Syndrome; Hereditary neoplastic syndrome. Identifiers: Orphanet 140162, MedGen C0027672, MeSH D009386, MONDO:0015356.

Submission:

Ambry Genetics
Classification: Uncertain significance for Hereditary cancer-predisposing syndrome. Last evaluated: 2020-09-22. Review status: criteria provided, single submitter. Criteria: Ambry Variant Classification Scheme 2023. Collection method: clinical testing. Allele origin: germline.
Comment: The c.10047_10048delCC variant, located in coding exon 26 of the BRCA2 gene, results from a deletion of two nucleotides at nucleotide positions 10047 to 10048, causing a translational frameshift with a predicted alternate stop codon (p.Q3350Sfs*17). This alteration occurs at the 3' terminus of the BRCA2 gene, is not expected to trigger nonsense-mediated mRNA decay, and only impacts the last 68 AA of the protein. The exact functional effect of this alteration is unknown. Since supporting evidence is limited at this time, the clinical significance of this alteration remains unclear.

NM_000059.4(BRCA2):c.10047_10048del (p.Gln3350fs)

Gene: BRCA2 (BRCA2 DNA repair associated; plus strand). Cytogenetic location: 13q13.1.
Variant type: Deletion.
Coding change: c.10047_10048del on transcript NM_000059.4 (MANE Select); coding-DNA positions 10047 to 10048, 2 bases deleted (CC; older notation c.10047_10048delCC).
Protein change: p.Gln3350fs; shifts the reading frame from glutamine 3350.
Molecular consequence: frameshift variant.
Genome position (GRCh38, 1-based): chr13:32,398,560-32,398,561, CC deleted; deleting any 2 consecutive bases within chr13:32,398,559-32,398,561 gives the same sequence; the c. name uses the placement nearest the transcript's 3' end. VCF-style (leftmost placement, unchanged base first): chr13-32398558-ACC-A. GRCh37 (hg19) VCF-style: chr13-32972695-ACC-A.
Other names: c.9951_9952delCC, p.Gln3318Serfs (NM_001406719.1); c.9996_9997delCC, p.Gln3333Serfs (NM_001406720.1); c.5115_5116delCC, p.Gln1706Serfs (NM_001406721.1); c.3630_3631delCC, p.Gln1211Serfs (NM_001406722.1); short protein forms Q3350fs.
Identifiers: ClinVar variation 1777333 (VCV001777333.2), dbSNP rs2548565469, ClinGen allele CA2580087488.